The following is an entry in ClinVar:

ClinVar aggregate classification (germline): Uncertain significance (1 of 4 stars; one submission).

Submission:

Quest Diagnostics Nichols Institute San Juan Capistrano
Classification: Uncertain significance. Last evaluated: 2023-08-19. Review status: criteria provided, single submitter. Criteria: Quest Diagnostics criteria. Collection method: clinical testing. Allele origin: unknown.
Comment: The c.380A>G (p.Asp127Gly) variant in the alpha2-globin gene (HBA2) has been reported in the published literature in an individual with alpha thalassemia trait (PMID: 9499936 (1997)) as well as silent carriers (PMIDs: 9499936 (1997), 26635043 (2016)). Additionally, the variant results in a 7-fold increase in oxygen affinity and reduction in cooperativity (PMID: 9499936 (1997)). This variant has not been reported in large, multi-ethnic general populations (Genome Aggregation Database). Analysis of this variant using bioinformatics tools for the prediction of the effect of amino acid changes on protein structure and function yielded predictions that this variant is damaging. Based on the available information, we are unable to determine the clinical significance of this variant.

Literature cited by the submitters: PubMed 26635043; PubMed 9499936.

NM_000517.6(HBA2):c.380A>G (p.Asp127Gly)

Genes: HBA2 (hemoglobin subunit alpha 2; plus strand), LOC106804612 (hemoglobin subunit alpha 2 recombination region; plus strand). Cytogenetic location: 16p13.3.
Variant type: single nucleotide variant.
Coding change: c.380A>G on transcript NM_000517.6 (MANE Select); coding-DNA position 380, A replaced by G.
Protein change: p.Asp127Gly; replaces aspartic acid 127 with glycine.
Molecular consequence: missense variant.
Genome position (GRCh38, 1-based): chr16:173,551, A>G. VCF-style: chr16-173551-A-G. GRCh37 (hg19) VCF-style: chr16-223550-A-G.
Other names: short protein forms D127G.
Identifiers: ClinVar variation 2681966 (VCV002681966.1), dbSNP rs33957766, ClinGen allele CA276415454.